The following is an entry in ClinVar:

NM_001013354.1(OR11H12):c.642C>T (p.Cys214=)

Gene: OR11H12 (olfactory receptor family 11 subfamily H member 12; plus strand). Cytogenetic location: 14q11.2.
Variant type: single nucleotide variant.
Coding change: c.642C>T on transcript NM_001013354.1 (MANE Select); coding-DNA position 642, C replaced by T.
Protein change: p.Cys214=; no amino-acid change (cysteine 214 retained).
Molecular consequence: synonymous variant.
Genome position (GRCh38, 1-based): chr14:18,601,758, C>T. VCF-style: chr14-18601758-C-T. GRCh37 (hg19) VCF-style: chr14-19378235-C-T.
Identifiers: ClinVar variation 2644027 (VCV002644027.24), dbSNP rs1416669498, ClinGen allele CA485460184.

ClinVar aggregate classification (germline): Likely benign (1 of 4 stars; one submission).

Allele frequency attached by ClinVar (database versions not stated): 1000 Genomes Project 30x 0.00016.

Submission:

CeGaT Center for Human Genetics Tuebingen
Classification: Likely benign. Last evaluated: 2022-12-01. Review status: criteria provided, single submitter. Criteria: CeGaT Center For Human Genetics Tuebingen Variant Classification Criteria Version 2. Collection method: clinical testing. Allele origin: germline. Affected: yes. Observed: 1 variant allele.
Comment: OR11H12: BP4, BP7